The following is an entry in ClinVar:

NM_002691.4(POLD1):c.1514G>A (p.Arg505His)

Gene: POLD1 (DNA polymerase delta 1, catalytic subunit; plus strand). Cytogenetic location: 19q13.33.
Variant type: single nucleotide variant.
Coding change: c.1514G>A on transcript NM_002691.4 (MANE Select); coding-DNA position 1514, G replaced by A.
Protein change: p.Arg505His; replaces arginine 505 with histidine.
Molecular consequence: missense variant. On other transcripts: non-coding transcript variant (1).
Genome position (GRCh38, 1-based): chr19:50,407,002, G>A. VCF-style: chr19-50407002-G-A. GRCh37 (hg19) VCF-style: chr19-50910259-G-A.
Other names: c.1514G>A, p.Arg505His (NM_001256849.1, NM_001308632.1); short protein forms R505H.
Identifiers: ClinVar variation 408102 (VCV000408102.17), dbSNP rs1043752384, ClinGen allele CA16616376.

ClinVar aggregate classification (germline): Uncertain significance. Review status: criteria provided, multiple submitters, no conflicts (2 of 4 stars). 7 submissions from 7 submitters: Uncertain significance (6). 1 of the submissions does not count toward it. Last evaluated 2026-03-31.

Conditions:
Hereditary cancer-predisposing syndrome. Also called: Neoplastic Syndromes, Hereditary; Hereditary neoplastic syndrome; Hereditary Cancer Syndrome; Tumor predisposition. Identifiers: Orphanet 140162, MedGen C0027672, MeSH D009386, MONDO:0015356.
POLD1-related polyposis and colorectal cancer syndrome (CRCS10). Also called: Colorectal cancer, susceptibility to, 10; Colorectal cancer 10; COLORECTAL CANCER, SUSCEPTIBILITY TO, ON CHROMOSOME 19q. Identifiers: Orphanet 220460, MedGen C2675481, MONDO:0012953, OMIM 612591.
POLD1-related disorder. Also called: POLD1-related disorders; POLD1-related condition.

Allele frequency attached by ClinVar (database versions not stated): gnomAD exomes below 0.00001 and 0.00001.
gnomAD v4.1: 4 of 1,366,188 alleles (0.00029%); highest among the groups gnomAD compares: East Asian, 0.0044%; no homozygotes.

Submissions (7):

PreventionGenetics, part of Exact Sciences
Classification: Uncertain significance for POLD1-related condition. Last evaluated: 2026-03-31. Review status: criteria provided, single submitter. Criteria: ACMG Guidelines, 2015. Collection method: clinical testing. Allele origin: germline.
Comment: The POLD1 c.1514G>A variant is predicted to result in the amino acid substitution p.Arg505His. To our knowledge, this variant has not been reported in the literature. This variant is reported in 0.011% of alleles in individuals of East Asian descent in gnomAD and has been interpreted as a variant of uncertain significance in the ClinVar database (Variation ID: 408102). At this time, the clinical significance of this variant is uncertain due to the absence of conclusive functional and genetic evidence.

Labcorp Genetics (formerly Invitae), Labcorp
Classification: Uncertain significance for POLD1-related polyposis and colorectal cancer syndrome. Last evaluated: 2025-11-19. Review status: criteria provided, single submitter. Criteria: Invitae Variant Classification Sherloc (09022015). Collection method: clinical testing. Allele origin: germline.
Comment: This sequence change replaces arginine, which is basic and polar, with histidine, which is basic and polar, at codon 505 of the POLD1 protein (p.Arg505His). This variant is present in population databases (no rsID available, gnomAD 0.01%). This variant has not been reported in the literature in individuals affected with POLD1-related conditions. ClinVar contains an entry for this variant (Variation ID: 408102). Invitae Evidence Modeling of protein sequence and biophysical properties (such as structural, functional, and spatial information, amino acid conservation, physicochemical variation, residue mobility, and thermodynamic stability) indicates that this missense variant is expected to disrupt POLD1 protein function with a positive predictive value of 80%. In summary, the available evidence is currently insufficient to determine the role of this variant in disease. Therefore, it has been classified as a Variant of Uncertain Significance.

Baylor Genetics
Classification: Uncertain significance for POLD1-related polyposis and colorectal cancer syndrome. Last evaluated: 2023-07-03. Review status: criteria provided, single submitter. Criteria: ACMG Guidelines, 2015. Collection method: clinical testing. Allele origin: unknown.

Myriad Genetics, Inc.
Classification: Uncertain significance for POLD1-related polyposis and colorectal cancer syndrome. Last evaluated: 2023-04-19. Review status: criteria provided, single submitter. Criteria: Myriad Autosomal Dominant, Autosomal Recessive and X-Linked Classification Criteria (2023). Collection method: clinical testing. Allele origin: unknown.
Comment: This variant is classified as a variant of uncertain significance as there is insufficient evidence to determine its impact on protein function and/or cancer risk.

Ambry Genetics
Classification: Uncertain significance for Hereditary cancer-predisposing syndrome. Last evaluated: 2022-08-11. Review status: criteria provided, single submitter. Criteria: Ambry Variant Classification Scheme 2023. Collection method: clinical testing. Allele origin: germline.

Sema4
Classification: Uncertain significance for Hereditary cancer-predisposing syndrome. Last evaluated: 2021-04-23. Review status: criteria provided, single submitter. Criteria: Sema4 Curation Guidelines. Collection method: curation. Allele origin: germline.
Comment: The POLD1 c.1514G>A (p.R505H) variant has not been reported in the literature to our knowledge. This variant was observed in 2/18026 chromosomes of the East Asian subpopulation in the large and broad populations by the Genome Aggregation Database (PMID: 32461654). The variant has been reported in ClinVar (Variation ID: 408102). In silico tools suggest the impact of the variant on protein function is inconclusive, though these predictions have not been confirmed by functional studies. The overall evidence is insufficient to meet ACMG/AMP criteria for classifying it as benign or pathogenic. In summary, the clinical significance of this variant is currently uncertain.

Counsyl
Classification: Uncertain significance for POLD1-related polyposis and colorectal cancer syndrome. Last evaluated: 2018-04-26. Review status: no assertion criteria provided. Collection method: clinical testing. Allele origin: unknown. Not counted in ClinVar's aggregate classification.